The following is an entry in ClinVar:

ClinVar aggregate classification (germline): Uncertain significance (1 of 4 stars; one submission).

Conditions:
PLXNA2-related disorder. Also called: PLXNA2-related condition.

gnomAD v4.1: 1 of 1,614,092 alleles (0.000062%); highest among the groups gnomAD compares: Admixed American, 0.0017%; no homozygotes.

Submission:

PreventionGenetics, part of Exact Sciences
Classification: Uncertain significance for PLXNA2-related condition. Last evaluated: 2025-07-28. Review status: criteria provided, single submitter. Criteria: ACMG Guidelines, 2015. Collection method: clinical testing. Allele origin: germline.
Comment: The PLXNA2 c.1097A>C variant is predicted to result in the amino acid substitution p.Gln366Pro. To our knowledge, this variant has not been reported in the literature. This variant is reported in 0.0058% of alleles in individuals of Latino descent in gnomAD. At this time, the clinical significance of this variant is uncertain due to the absence of conclusive functional and genetic evidence.

NM_025179.4(PLXNA2):c.1097A>C (p.Gln366Pro)

Gene: PLXNA2 (plexin A2; minus strand). Cytogenetic location: 1q32.2.
Variant type: single nucleotide variant.
Coding change: c.1097A>C on transcript NM_025179.4 (MANE Select); coding-DNA position 1097, A replaced by C.
Protein change: p.Gln366Pro; replaces glutamine 366 with proline.
Molecular consequence: missense variant.
Genome position (GRCh38, 1-based): chr1:208,216,826, T>G on the plus strand (A>C on the coding strand, the complement: PLXNA2 is on the minus strand). VCF-style: chr1-208216826-T-G. GRCh37 (hg19) VCF-style: chr1-208390171-T-G.
Other names: short protein forms Q366P.
Identifiers: ClinVar variation 4983620 (VCV004983620.1).